The following is an entry in ClinVar:

ClinVar aggregate classification (germline): Uncertain significance (1 of 4 stars; one submission).

Conditions:
Periodontitis, aggressive. Identifiers: MedGen C0031106, MONDO:0980757.
Papillon-Lefèvre syndrome (PALS). Also called: KERATOSIS PALMOPLANTARIS WITH PERIODONTOPATHIA; Papillon-Lefevre Disease. Identifiers: Orphanet 678, MedGen C0030360, MONDO:0009490, OMIM 245000.
Haim-Munk syndrome (HMS). Also called: COCHIN JEWISH DISORDER; KERATOSIS PALMOPLANTARIS WITH PERIODONTOPATHIA AND ONYCHOGRYPOSIS. Identifiers: Orphanet 2342, MedGen C1855627, MONDO:0009491, OMIM 245010.

Allele frequency attached by ClinVar (database versions not stated): gnomAD exomes 0.00001; TOPMed 0.00001; gnomAD 0.00002.
gnomAD v4.1: 7 of 1,576,674 alleles (0.00044%); highest among the groups gnomAD compares: Admixed American, 0.0054%; no homozygotes.

Submission:

Labcorp Genetics (formerly Invitae), Labcorp
Classification: Uncertain significance for Haim-Munk syndrome; Periodontitis, aggressive; Papillon-Lefèvre syndrome. Last evaluated: 2023-12-06. Review status: criteria provided, single submitter. Criteria: Invitae Variant Classification Sherloc (09022015). Collection method: clinical testing. Allele origin: germline.
Comment: This sequence change replaces serine, which is neutral and polar, with phenylalanine, which is neutral and non-polar, at codon 45 of the CTSC protein (p.Ser45Phe). The frequency data for this variant in the population databases is considered unreliable, as metrics indicate poor data quality at this position in the gnomAD database. This variant has not been reported in the literature in individuals affected with CTSC-related conditions. An algorithm developed to predict the effect of missense changes on protein structure and function (PolyPhen-2) suggests that this variant is likely to be tolerated. In summary, the available evidence is currently insufficient to determine the role of this variant in disease. Therefore, it has been classified as a Variant of Uncertain Significance.

NM_001814.6(CTSC):c.134C>T (p.Ser45Phe)

Genes: CTSC (cathepsin C; minus strand), LOC130006572 (ATAC-STARR-seq lymphoblastoid active region 5382; plus strand). Cytogenetic location: 11q14.2.
Variant type: single nucleotide variant.
Coding change: c.134C>T on transcript NM_001814.6 (MANE Select); coding-DNA position 134, C replaced by T.
Protein change: p.Ser45Phe; replaces serine 45 with phenylalanine.
Molecular consequence: missense variant.
Genome position (GRCh38, 1-based): chr11:88,337,539, G>A on the plus strand (C>T on the coding strand, the complement: CTSC is on the minus strand). VCF-style: chr11-88337539-G-A. GRCh37 (hg19) VCF-style: chr11-88070707-G-A.
Other names: c.134C>T, p.Ser45Phe (NM_001114173.3, NM_148170.5); short protein forms S45F.
Identifiers: ClinVar variation 2922770 (VCV002922770.3), dbSNP rs1294281175, ClinGen allele CA382030540.